The following is an entry in ClinVar:

ClinVar aggregate classification (germline): Likely benign (1 of 4 stars; one submission).

Allele frequency attached by ClinVar (database versions not stated): ESP Exome Variant Server 0.00023; ExAC 0.00062; gnomAD 0.00072; 1000 Genomes Project 30x 0.00078; 1000 Genomes Project 0.00100; TOPMed 0.00103.
gnomAD v4.1: 1,154 of 1,611,482 alleles (0.072%); highest among the groups gnomAD compares: Admixed American, 0.25%; 1 homozygote.

Submission:

CeGaT Center for Human Genetics Tuebingen
Classification: Likely benign. Last evaluated: 2026-04-01. Review status: criteria provided, single submitter. Criteria: CeGaT Center For Human Genetics Tuebingen Variant Classification Criteria Version 2. Collection method: clinical testing. Allele origin: germline. Affected: yes. Observed: 2 variant alleles.
Comment: DDB1: BP4, BS2

NM_001923.5(DDB1):c.762+6C>T

Gene: DDB1 (damage specific DNA binding protein 1; minus strand). Cytogenetic location: 11q12.2.
Variant type: single nucleotide variant.
Coding change: c.762+6C>T on transcript NM_001923.5 (MANE Select); 6 bases into the intron after coding-DNA position 762, C replaced by T.
Molecular consequence: intron variant.
Genome position (GRCh38, 1-based): chr11:61,325,605, G>A on the plus strand (C>T on the coding strand, the complement: DDB1 is on the minus strand). VCF-style: chr11-61325605-G-A. GRCh37 (hg19) VCF-style: chr11-61093077-G-A.
Identifiers: ClinVar variation 2641823 (VCV002641823.24), dbSNP rs182857020, ClinGen allele CA6033293.